The following is an entry in ClinVar:

NM_022370.4(ROBO3):c.4098T>C (p.Ser1366=)

Gene: ROBO3 (roundabout guidance receptor 3; plus strand). Cytogenetic location: 11q24.2.
Variant type: single nucleotide variant.
Coding change: c.4098T>C on transcript NM_022370.4 (MANE Select); coding-DNA position 4098, T replaced by C.
Protein change: p.Ser1366=; no amino-acid change (serine 1366 retained).
Molecular consequence: synonymous variant. On other transcripts: non-coding transcript variant (7).
Genome position (GRCh38, 1-based): chr11:124,880,557, T>C. VCF-style: chr11-124880557-T-C. GRCh37 (hg19) VCF-style: chr11-124750453-T-C.
Other names: c.1245T>C, p.Ser415= (NM_001370356.1, NM_001370357.1, NM_001370358.1 and 2 more transcripts); c.1050T>C, p.Ser350= (NM_001370364.1, NM_001370366.1).
Identifiers: ClinVar variation 303280 (VCV000303280.29), dbSNP rs55725290, ClinGen allele CA6344380.

ClinVar aggregate classification (germline): Conflicting classifications of pathogenicity. Review status: criteria provided, conflicting classifications (1 of 4 stars). 2 submissions from 2 submitters: Uncertain significance (1); Likely benign (1). Last evaluated 2022-06-01.

Conditions:
Gaze palsy, familial horizontal, with progressive scoliosis 1 (HGPPS1). Identifiers: Orphanet 2744, MedGen C4551964, MONDO:0020790, OMIM 607313.

Allele frequency attached by ClinVar (database versions not stated): ExAC 0.00010; gnomAD 0.00010 and 0.00005; gnomAD exomes 0.00004 and 0.00006.
gnomAD v4.1: 39 of 800,128 alleles (0.0049%); highest among the groups gnomAD compares: Middle Eastern, 0.13%; no homozygotes.

Submissions (2):

CeGaT Center for Human Genetics Tuebingen
Classification: Likely benign. Last evaluated: 2022-06-01. Review status: criteria provided, single submitter. Criteria: CeGaT Center For Human Genetics Tuebingen Variant Classification Criteria Version 2. Collection method: clinical testing. Allele origin: germline. Affected: yes. Observed: 1 variant allele.
Comment: ROBO3: BP4

Illumina Laboratory Services, Illumina
Classification: Uncertain significance for Gaze palsy, familial horizontal, with progressive scoliosis 1. Last evaluated: 2018-01-12. Review status: criteria provided, single submitter. Criteria: ICSL Variant Classification Criteria 13 December 2019. Collection method: clinical testing. Allele origin: germline.